The following is an entry in ClinVar:

NM_001378454.1(ALMS1):c.11071G>A (p.Glu3691Lys)

Gene: ALMS1 (ALMS1 centrosome and basal body associated protein; plus strand). Cytogenetic location: 2p13.1.
Variant type: single nucleotide variant.
Coding change: c.11071G>A on transcript NM_001378454.1 (MANE Select); coding-DNA position 11071, G replaced by A.
Protein change: p.Glu3691Lys; replaces glutamic acid 3691 with lysine.
Molecular consequence: missense variant.
Genome position (GRCh38, 1-based): chr2:73,572,948, G>A. VCF-style: chr2-73572948-G-A. GRCh37 (hg19) VCF-style: chr2-73800075-G-A.
Other names: c.11074G>A, p.Glu3692Lys (NM_015120.4); short protein forms E3692K, E3691K.
Identifiers: ClinVar variation 1396179 (VCV001396179.5), dbSNP rs750422041, ClinGen allele CA1715115.

ClinVar aggregate classification (germline): Uncertain significance. Review status: criteria provided, multiple submitters, no conflicts (2 of 4 stars). 2 submissions from 2 submitters: Uncertain significance (2). Last evaluated 2025-07-03.

Conditions:
Alstrom syndrome (ALMS). Identifiers: Orphanet 64, MedGen C0268425, MONDO:0008763, OMIM 203800.

Allele frequency attached by ClinVar (database versions not stated): gnomAD exomes 0.00001; TOPMed 0.00001; ExAC 0.00001; gnomAD 0.00001.
gnomAD v4.1: 14 of 1,613,932 alleles (0.00087%); highest among the groups gnomAD compares: Admixed American, 0.005%; no homozygotes.

Submissions (2):

GeneDx
Classification: Uncertain significance. Last evaluated: 2025-07-03. Review status: criteria provided, single submitter. Criteria: GeneDx Variant Classification Process June 2021. Collection method: clinical testing. Allele origin: germline.
Comment: Not observed at significant frequency in large population cohorts (gnomAD); In silico analysis supports that this missense variant has a deleterious effect on protein structure/function; Has not been previously published as pathogenic or benign to our knowledge

Labcorp Genetics (formerly Invitae), Labcorp
Classification: Uncertain significance for Alstrom syndrome. Last evaluated: 2022-02-10. Review status: criteria provided, single submitter. Criteria: Invitae Variant Classification Sherloc (09022015). Collection method: clinical testing. Allele origin: germline.
Comment: This sequence change replaces glutamic acid with lysine at codon 3692 of the ALMS1 protein (p.Glu3692Lys). The glutamic acid residue is weakly conserved and there is a small physicochemical difference between glutamic acid and lysine. This variant is present in population databases (rs750422041, gnomAD 0.003%). This variant has not been reported in the literature in individuals affected with ALMS1-related conditions. Experimental studies and prediction algorithms are not available or were not evaluated, and the functional significance of this variant is currently unknown. In summary, the available evidence is currently insufficient to determine the role of this variant in disease. Therefore, it has been classified as a Variant of Uncertain Significance.